The following is an entry in ClinVar:

ClinVar aggregate classification (germline): Uncertain significance (1 of 4 stars; one submission).

Conditions:
Inborn genetic diseases. Identifiers: MedGen C0950123, MeSH D030342.

Submission:

Ambry Genetics
Classification: Uncertain significance for Inborn genetic diseases. Last evaluated: 2024-02-24. Review status: criteria provided, single submitter. Criteria: Ambry Variant Classification Scheme 2023. Collection method: clinical testing. Allele origin: germline.
Comment: The p.K1463Q variant (also known as c.4387A>C), located in coding exon 25 of the ATR gene, results from an A to C substitution at nucleotide position 4387. The lysine at codon 1463 is replaced by glutamine, an amino acid with similar properties. This amino acid position is conserved. In addition, this alteration is predicted to be tolerated by in silico analysis. Based on the available evidence, the clinical significance of this alteration remains unclear.

NM_001184.4(ATR):c.4387A>C (p.Lys1463Gln)

Gene: ATR (ATR checkpoint kinase; minus strand). Cytogenetic location: 3q23.
Variant type: single nucleotide variant.
Coding change: c.4387A>C on transcript NM_001184.4 (MANE Select); coding-DNA position 4387, A replaced by C.
Protein change: p.Lys1463Gln; replaces lysine 1463 with glutamine.
Molecular consequence: missense variant.
Genome position (GRCh38, 1-based): chr3:142,515,511, T>G on the plus strand (A>C on the coding strand, the complement: ATR is on the minus strand). VCF-style: chr3-142515511-T-G. GRCh37 (hg19) VCF-style: chr3-142234353-T-G.
Other names: c.4195A>C, p.Lys1399Gln (NM_001354579.2); short protein forms K1399Q, K1463Q.
Identifiers: ClinVar variation 3221162 (VCV003221162.1), dbSNP rs2473232540, ClinGen allele CA354798878.